The following is an entry in ClinVar:

NM_006397.3(RNASEH2A):c.741A>G (p.Lys247=)

Gene: RNASEH2A (ribonuclease H2 subunit A; plus strand). Cytogenetic location: 19p13.13.
Variant type: single nucleotide variant.
Coding change: c.741A>G on transcript NM_006397.3 (MANE Select); coding-DNA position 741, A replaced by G.
Protein change: p.Lys247=; no amino-acid change (lysine 247 retained).
Molecular consequence: synonymous variant.
Genome position (GRCh38, 1-based): chr19:12,813,186, A>G. VCF-style: chr19-12813186-A-G. GRCh37 (hg19) VCF-style: chr19-12924000-A-G.
Identifiers: ClinVar variation 736614 (VCV000736614.39), dbSNP rs140320292, ClinGen allele CA9232018.

ClinVar aggregate classification (germline): Likely benign. Review status: criteria provided, multiple submitters, no conflicts (2 of 4 stars). 4 submissions from 4 submitters: Likely benign (3). 1 of the submissions does not count toward it. Last evaluated 2026-06-01.

Conditions:
RNASEH2A-related disorder. Also called: RNASEH2A-related condition.
Aicardi-Goutieres syndrome 4. Identifiers: Orphanet 51, MedGen C1835912, MONDO:0012472, OMIM 610333.

Allele frequency attached by ClinVar (database versions not stated): gnomAD 0.00013; TOPMed 0.00014; ESP Exome Variant Server 0.00023.
gnomAD v4.1: 385 of 1,613,898 alleles (0.024%); highest among the groups gnomAD compares: Non-Finnish European, 0.031%; no homozygotes.

Submissions (4):

CeGaT Center for Human Genetics Tuebingen
Classification: Likely benign. Last evaluated: 2026-06-01. Review status: criteria provided, single submitter. Criteria: CeGaT Center For Human Genetics Tuebingen Variant Classification Criteria Version 2. Collection method: clinical testing. Allele origin: germline. Affected: yes. Observed: 2 variant alleles.
Comment: RNASEH2A: BP4, BP7

Labcorp Genetics (formerly Invitae), Labcorp
Classification: Likely benign for Aicardi-Goutieres syndrome 4. Last evaluated: 2025-12-16. Review status: criteria provided, single submitter. Criteria: Invitae Variant Classification Sherloc (09022015). Collection method: clinical testing. Allele origin: germline.

Blueprint Genetics
Classification: Likely benign. Last evaluated: 2022-12-21. Review status: criteria provided, single submitter. Criteria: ACMG Guidelines, 2015. Collection method: clinical testing. Allele origin: germline.

PreventionGenetics, part of Exact Sciences
Classification: Likely benign for RNASEH2A-related condition. Last evaluated: 2024-01-02. Review status: no assertion criteria provided. Collection method: clinical testing. Allele origin: germline. Not counted in ClinVar's aggregate classification.
Comment: This variant is classified as likely benign based on ACMG/AMP sequence variant interpretation guidelines (Richards et al. 2015 PMID: 25741868, with internal and published modifications).